The following is an entry in ClinVar:

NM_001292063.2(OTOG):c.7766C>T (p.Thr2589Met)

Gene: OTOG (otogelin; plus strand). Cytogenetic location: 11p15.1.
Variant type: single nucleotide variant.
Coding change: c.7766C>T on transcript NM_001292063.2 (MANE Select); coding-DNA position 7766, C replaced by T.
Protein change: p.Thr2589Met; replaces threonine 2589 with methionine.
Molecular consequence: missense variant.
Genome position (GRCh38, 1-based): chr11:17,635,682, C>T. VCF-style: chr11-17635682-C-T. GRCh37 (hg19) VCF-style: chr11-17657229-C-T.
Other names: c.7802C>T, p.Thr2601Met (NM_001277269.2); short protein forms T2589M, T2601M.
Identifiers: ClinVar variation 1988917 (VCV001988917.4), dbSNP rs1382894068, ClinGen allele CA379813301.
Genomic context (GRCh38, chr11:17,635,682, plus strand): 5'-GTCCAGACTCCATCCCCGAATGTCAAGAAGGGGAGGCGCTCACTGTGCACAGGAATACCA[C>T]GGAACTCTGCTGCCCTCTGTACCAGTGTGGTGAGTCCTGGCTGGGCACATGGCGGGCTGC-3'
Protein context (NP_001278992.1, residues 2579-2599): GEALTVHRNT[Thr2589Met]ELCCPLYQCV

ClinVar aggregate classification (germline): Uncertain significance (1 of 4 stars; one submission).

Allele frequency attached by ClinVar (database versions not stated): gnomAD exomes below 0.00001.
gnomAD v4.1: 6 of 1,550,556 alleles (0.00039%); highest among the groups gnomAD compares: African/African-American, 0.0027%; no homozygotes.

Submission:

Labcorp Genetics (formerly Invitae), Labcorp
Classification: Uncertain significance. Last evaluated: 2022-04-11. Review status: criteria provided, single submitter. Criteria: Invitae Variant Classification Sherloc (09022015). Collection method: clinical testing. Allele origin: germline.
Comment: This variant is present in population databases (no rsID available, gnomAD 0.02%). In summary, the available evidence is currently insufficient to determine the role of this variant in disease. Therefore, it has been classified as a Variant of Uncertain Significance. Algorithms developed to predict the effect of missense changes on protein structure and function are either unavailable or do not agree on the potential impact of this missense change (SIFT: "Deleterious"; PolyPhen-2: "Probably Damaging"; Align-GVGD: "Class C0"). This variant has not been reported in the literature in individuals affected with OTOG-related conditions. This sequence change replaces threonine, which is neutral and polar, with methionine, which is neutral and non-polar, at codon 2601 of the OTOG protein (p.Thr2601Met).